The following is an entry in ClinVar:

NM_001378454.1(ALMS1):c.4036C>G (p.Gln1346Glu)

Gene: ALMS1 (ALMS1 centrosome and basal body associated protein; plus strand). Cytogenetic location: 2p13.1.
Variant type: single nucleotide variant.
Coding change: c.4036C>G on transcript NM_001378454.1 (MANE Select); coding-DNA position 4036, C replaced by G.
Protein change: p.Gln1346Glu; replaces glutamine 1346 with glutamic acid.
Molecular consequence: missense variant.
Genome position (GRCh38, 1-based): chr2:73,450,563, C>G. VCF-style: chr2-73450563-C-G. GRCh37 (hg19) VCF-style: chr2-73677690-C-G.
Other names: c.4039C>G, p.Gln1347Glu (NM_015120.4); short protein forms Q1346E, Q1347E.
Identifiers: ClinVar variation 1737260 (VCV001737260.5), dbSNP rs775149898, ClinGen allele CA1713627.
Genomic context (GRCh38, chr2:73,450,563, plus strand): 5'-ATACCAATTTTACCCTCTACTTTCTACTCACACACAGAGAAGCCTGGTGTTTTCTACCAA[C>G]AGGTCTTGCCACATAGTCATCCAACTGAAGAGGCTCTGAAAATTTCAGTTGCCTCTGAAC-3'
Protein context (NP_001365383.1, residues 1336-1356): HTEKPGVFYQ[Gln1346Glu]VLPHSHPTEE

ClinVar aggregate classification (germline): Uncertain significance. Review status: criteria provided, multiple submitters, no conflicts (2 of 4 stars). 3 submissions from 3 submitters: Uncertain significance (3). Last evaluated 2023-12-10.

Conditions:
Cardiovascular phenotype. Identifiers: MedGen CN230736.
Alstrom syndrome (ALMS). Identifiers: Orphanet 64, MedGen C0268425, MONDO:0008763, OMIM 203800.

Allele frequency attached by ClinVar (database versions not stated): TOPMed 0.00001; ExAC 0.00003.
gnomAD v4.1: 30 of 1,612,774 alleles (0.0019%); highest among the groups gnomAD compares: Non-Finnish European, 0.0024%; no homozygotes.

Submissions (3):

GeneDx
Classification: Uncertain significance. Last evaluated: 2023-12-10. Review status: criteria provided, single submitter. Criteria: GeneDx Variant Classification Process June 2021. Collection method: clinical testing. Allele origin: germline. Affected: yes.
Comment: In silico analysis supports that this missense variant does not alter protein structure/function; Has not been previously published as pathogenic or benign to our knowledge

Ambry Genetics
Classification: Uncertain significance for Cardiovascular phenotype. Last evaluated: 2022-05-21. Review status: criteria provided, single submitter. Criteria: Ambry Variant Classification Scheme 2023. Collection method: clinical testing. Allele origin: germline.
Comment: The p.Q1347E variant (also known as c.4039C>G), located in coding exon 8 of the ALMS1 gene, results from a C to G substitution at nucleotide position 4039. The glutamine at codon 1347 is replaced by glutamic acid, an amino acid with highly similar properties. This amino acid position is well conserved in available vertebrate species. In addition, this alteration is predicted to be tolerated by in silico analysis. Since supporting evidence is limited at this time, the clinical significance of this alteration remains unclear.

Labcorp Genetics (formerly Invitae), Labcorp
Classification: Uncertain significance for Alstrom syndrome. Last evaluated: 2022-04-04. Review status: criteria provided, single submitter. Criteria: Invitae Variant Classification Sherloc (09022015). Collection method: clinical testing. Allele origin: germline.
Comment: This sequence change replaces glutamine, which is neutral and polar, with glutamic acid, which is acidic and polar, at codon 1347 of the ALMS1 protein (p.Gln1347Glu). This variant is present in population databases (rs775149898, gnomAD 0.008%). This variant has not been reported in the literature in individuals affected with ALMS1-related conditions. Experimental studies and prediction algorithms are not available or were not evaluated, and the functional significance of this variant is currently unknown. In summary, the available evidence is currently insufficient to determine the role of this variant in disease. Therefore, it has been classified as a Variant of Uncertain Significance.